The following is an entry in ClinVar:

ClinVar aggregate classification (germline): Conflicting classifications of pathogenicity. Review status: criteria provided, conflicting classifications (1 of 4 stars). 2 submissions from 2 submitters: Uncertain significance (1); Likely benign (1). Last evaluated 2026-07-01.

Submissions (2):

CeGaT Center for Human Genetics Tuebingen
Classification: Likely benign. Last evaluated: 2026-07-01. Review status: criteria provided, single submitter. Criteria: CeGaT Center For Human Genetics Tuebingen Variant Classification Criteria Version 2. Collection method: clinical testing. Allele origin: germline. Affected: yes. Observed: 1 variant allele.
Comment: MAGEC1: BP4

Ambry Genetics
Classification: Uncertain significance. Last evaluated: 2022-08-17. Review status: criteria provided, single submitter. Criteria: Ambry Variant Classification Scheme 2023. Collection method: clinical testing. Allele origin: germline.

NM_005462.5(MAGEC1):c.1460C>T (p.Ser487Phe)

Gene: MAGEC1 (MAGE family member C1; plus strand). Cytogenetic location: Xq27.2.
Variant type: single nucleotide variant.
Coding change: c.1460C>T on transcript NM_005462.5 (MANE Select); coding-DNA position 1460, C replaced by T.
Protein change: p.Ser487Phe; replaces serine 487 with phenylalanine.
Molecular consequence: missense variant.
Genome position (GRCh38, 1-based): chrX:141,906,864, C>T. VCF-style: chrX-141906864-C-T. GRCh37 (hg19) VCF-style: chrX-140994650-C-T.
Other names: short protein forms S487F.
Identifiers: ClinVar variation 2215145 (VCV002215145.3), dbSNP rs780956948, ClinGen allele CA10533680.
Genomic context (GRCh38, chrX:141,906,864, plus strand): 5'-ACAGTACTTTTGAGGGTTTTCCCCAGTCTCCTCTCCAGATTCCTGTGAGCTCCTCCTCCT[C>T]CTCCTCCACTTTATTGAGTCTTTTCCAGAGTTCCCCTGAGTGTACTCAAAGTACTTTTGA-3'
Protein context (NP_005453.2, residues 477-497): PLQIPVSSSS[Ser487Phe]SSTLLSLFQS